The following is an entry in ClinVar:

ClinVar aggregate classification (germline): Uncertain significance (1 of 4 stars; one submission).

Conditions:
Familial adenomatous polyposis 2. Also called: MUTYH Polyposis; COLORECTAL ADENOMATOUS POLYPOSIS, AUTOSOMAL RECESSIVE; ADENOMAS, MULTIPLE COLORECTAL, AUTOSOMAL RECESSIVE; MUTYH-associated polyposis; MYH-associated polyposis; MUTYH-related attenuated familial adenomatous polyposis. Identifiers: Orphanet 220460, Orphanet 247798, MedGen C3272841, MONDO:0012041, OMIM 608456.

Submission:

Labcorp Genetics (formerly Invitae), Labcorp
Classification: Uncertain significance for Familial adenomatous polyposis 2. Last evaluated: 2022-02-05. Review status: criteria provided, single submitter. Criteria: Invitae Variant Classification Sherloc (09022015). Collection method: clinical testing. Allele origin: germline.
Comment: In summary, the available evidence is currently insufficient to determine the role of this variant in disease. Therefore, it has been classified as a Variant of Uncertain Significance. Variants that disrupt the consensus splice site are a relatively common cause of aberrant splicing (PMID: 17576681, 9536098). Algorithms developed to predict the effect of sequence changes on RNA splicing suggest that this variant may disrupt the consensus splice site. This variant has not been reported in the literature in individuals affected with MUTYH-related conditions. This variant is not present in population databases (gnomAD no frequency). This sequence change falls in intron 4 of the MUTYH gene. It does not directly change the encoded amino acid sequence of the MUTYH protein. It affects a nucleotide within the consensus splice site.

Literature cited by the submitters: PubMed 17576681; PubMed 9536098.

NM_001048174.2(MUTYH):c.304+4A>G

Gene: MUTYH (mutY DNA glycosylase; minus strand). Cytogenetic location: 1p34.1.
Variant type: single nucleotide variant.
Coding change: c.304+4A>G on transcript NM_001048174.2 (MANE Select); 4 bases into the intron after coding-DNA position 304, A replaced by G.
Molecular consequence: intron variant.
Genome position (GRCh38, 1-based): chr1:45,333,281, T>C on the plus strand (A>G on the coding strand, the complement: MUTYH is on the minus strand). VCF-style: chr1-45333281-T-C. GRCh37 (hg19) VCF-style: chr1-45798953-T-C.
Other names: c.33+4A>G (NM_001350651.2, NM_001350650.2); c.28+4A>G (NM_001293192.2, NM_001293196.2); c.304+4A>G (NM_001048171.2, NM_001048173.2, NM_001293195.2); c.349+4A>G (NM_001293190.2); c.379+4A>G (NM_012222.3); c.388+4A>G (NM_001128425.2); c.307+4A>G (NM_001048172.2); c.337+4A>G (NM_001293191.2).
Identifiers: ClinVar variation 2093485 (VCV002093485.4), dbSNP rs2524243223, ClinGen allele CA2580063273.